The following is an entry in ClinVar:

NM_080425.4(GNAS):c.462C>G (p.Tyr154Ter)

Gene: GNAS (GNAS complex locus; plus strand). Cytogenetic location: 20q13.32.
Variant type: single nucleotide variant.
Coding change: c.462C>G on transcript NM_080425.4 (MANE Plus Clinical); coding-DNA position 462, C replaced by G.
Protein change: p.Tyr154Ter; replaces tyrosine 154 with a stop codon.
Molecular consequence: nonsense. On other transcripts: missense variant (2), intron variant (3).
Genome position (GRCh38, 1-based): chr20:58,853,727, C>G. VCF-style: chr20-58853727-C-G. GRCh37 (hg19) VCF-style: chr20-57428782-C-G.
Other names: c.275C>G, p.Thr92Arg (NM_001077490.3, NM_001309883.1); c.462C>G, p.Tyr154Ter (NM_001410913.1); c.*42+12841C>G (NM_016592.5); c.43+12841C>G (NM_001410912.1); c.-39+11852C>G (NM_001309861.2); short protein forms T92R, Y154*.
Identifiers: ClinVar variation 5001880 (VCV005001880.1).

ClinVar aggregate classification (germline): Uncertain significance (1 of 4 stars; one submission).

Conditions:
GNAS-related disorder. Identifiers: MedGen CN380105.

gnomAD v4.1: 1 of 1,613,824 alleles (0.000062%); highest among the groups gnomAD compares: Non-Finnish European, 0.000085%; no homozygotes.

Submission:

PreventionGenetics, part of Exact Sciences
Classification: Uncertain significance for GNAS-related condition. Last evaluated: 2025-01-24. Review status: criteria provided, single submitter. Criteria: ACMG Guidelines, 2015. Collection method: clinical testing. Allele origin: germline.
Comment: The GNAS c.462C>G variant is predicted to result in premature protein termination (p.Tyr154*). This variant is also referred to as c.-38000C>G (pre-coding) with the more commonly reported isoform NM_000516. To our knowledge, this variant has not been reported in the literature or in a large population database (gnomAD), indicating this variant is rare. At this time, the clinical significance of this variant is uncertain due to the absence of conclusive functional and genetic evidence.